The following is an entry in ClinVar:

NM_001242.5(CD27):c.713G>A (p.Arg238Lys)

Genes: CD27 (CD27 molecule; plus strand), CD27-AS1 (CD27 antisense RNA 1; minus strand). Cytogenetic location: 12p13.31.
Variant type: single nucleotide variant.
Coding change: c.713G>A on transcript NM_001242.5 (MANE Select); coding-DNA position 713, G replaced by A.
Protein change: p.Arg238Lys; replaces arginine 238 with lysine.
Molecular consequence: missense variant. On other transcripts: non-coding transcript variant (1).
Genome position (GRCh38, 1-based): chr12:6,451,322, G>A. VCF-style: chr12-6451322-G-A. GRCh37 (hg19) VCF-style: chr12-6560488-G-A.
Other names: short protein forms R238K.
Identifiers: ClinVar variation 947623 (VCV000947623.8), dbSNP rs75524088, ClinGen allele CA6407083.

ClinVar aggregate classification (germline): Uncertain significance. Review status: criteria provided, multiple submitters, no conflicts (2 of 4 stars). 2 submissions from 2 submitters: Uncertain significance (2). Last evaluated 2022-08-15.

Conditions:
Autoinflammatory syndrome. Identifiers: Orphanet 93665, MedGen C3890737, MONDO:0019751.
Lymphoproliferative syndrome 2 (LPFS2). Also called: CD27 DEFICIENCY; Combined immunodeficiency due to CD27 deficiency. Identifiers: Orphanet 238505, MedGen C3554540, MONDO:0014054, OMIM 615122.

Allele frequency attached by ClinVar (database versions not stated): TOPMed 0.00006; ESP Exome Variant Server 0.00008; gnomAD exomes 0.00014; 1000 Genomes Project 30x 0.00031; ExAC 0.00016; 1000 Genomes Project 0.00040.
gnomAD v4.1: 173 of 1,613,558 alleles (0.011%); highest among the groups gnomAD compares: East Asian, 0.26%; 2 homozygotes.

Submissions (2):

Labcorp Genetics (formerly Invitae), Labcorp
Classification: Uncertain significance for Lymphoproliferative syndrome 2. Last evaluated: 2022-08-15. Review status: criteria provided, single submitter. Criteria: Invitae Variant Classification Sherloc (09022015). Collection method: clinical testing. Allele origin: germline.
Comment: This sequence change replaces arginine, which is basic and polar, with lysine, which is basic and polar, at codon 238 of the CD27 protein (p.Arg238Lys). This variant is present in population databases (rs75524088, gnomAD 0.1%). This variant has not been reported in the literature in individuals affected with CD27-related conditions. ClinVar contains an entry for this variant (Variation ID: 947623). Algorithms developed to predict the effect of missense changes on protein structure and function output the following: SIFT: "Tolerated"; PolyPhen-2: "Benign"; Align-GVGD: "Class C0". The lysine amino acid residue is found in multiple mammalian species, which suggests that this missense change does not adversely affect protein function. In summary, the available evidence is currently insufficient to determine the role of this variant in disease. Therefore, it has been classified as a Variant of Uncertain Significance.

Genome Diagnostics Laboratory, The Hospital for Sick Children
Classification: Uncertain significance for Autoinflammatory syndrome. Last evaluated: 2018-10-01. Review status: criteria provided, single submitter. Criteria: ACMG Guidelines, 2015. Collection method: clinical testing. Allele origin: germline. Affected: yes.